The following is an entry in ClinVar:

ClinVar aggregate classification (germline): Uncertain significance (1 of 4 stars; one submission).

Conditions:
Gorlin syndrome. Also called: Nevoid Basal Cell Carcinoma Syndrome; Basal cell nevus syndrome. Identifiers: Orphanet 377, MedGen C0004779, MONDO:0007187.

Submission:

Labcorp Genetics (formerly Invitae), Labcorp
Classification: Uncertain significance for Gorlin syndrome. Last evaluated: 2025-01-06. Review status: criteria provided, single submitter. Criteria: Invitae Variant Classification Sherloc (09022015). Collection method: clinical testing. Allele origin: germline.
Comment: This sequence change replaces glutamine, which is neutral and polar, with proline, which is neutral and non-polar, at codon 663 of the PTCH1 protein (p.Gln663Pro). This variant is not present in population databases (gnomAD no frequency). This variant has not been reported in the literature in individuals affected with PTCH1-related conditions. Invitae Evidence Modeling of protein sequence and biophysical properties (such as structural, functional, and spatial information, amino acid conservation, physicochemical variation, residue mobility, and thermodynamic stability) has been performed for this missense variant. However, the output from this modeling did not meet the statistical confidence thresholds required to predict the impact of this variant on PTCH1 protein function. In summary, the available evidence is currently insufficient to determine the role of this variant in disease. Therefore, it has been classified as a Variant of Uncertain Significance.

NM_000264.5(PTCH1):c.1988A>C (p.Gln663Pro)

Genes: PTCH1 (patched 1; minus strand), LOC100507346 (uncharacterized LOC100507346; plus strand). Cytogenetic location: 9q22.32.
Variant type: single nucleotide variant.
Coding change: c.1988A>C on transcript NM_000264.5 (MANE Select); coding-DNA position 1988, A replaced by C.
Protein change: p.Gln663Pro; replaces glutamine 663 with proline.
Molecular consequence: missense variant. On other transcripts: non-coding transcript variant (2).
Genome position (GRCh38, 1-based): chr9:95,469,013, T>G on the plus strand (A>C on the coding strand, the complement: PTCH1 is on the minus strand). VCF-style: chr9-95469013-T-G. GRCh37 (hg19) VCF-style: chr9-98231295-T-G.
Other names: c.1790A>C, p.Gln597Pro (NM_001083602.3); c.1985A>C, p.Gln662Pro (NM_001083603.3); c.1535A>C, p.Gln512Pro (NM_001083604.3, NM_001083605.3, NM_001083606.3 and 1 more transcripts); c.1832A>C, p.Gln611Pro (NM_001354918.2); short protein forms Q512P, Q662P, Q663P, Q597P, Q611P.
Identifiers: ClinVar variation 3635850 (VCV003635850.2).